The following is an entry in ClinVar:

NM_000038.6(APC):c.5001T>G (p.Asn1667Lys)

Gene: APC (APC regulator of Wnt signaling pathway; plus strand). Cytogenetic location: 5q22.2.
Variant type: single nucleotide variant.
Coding change: c.5001T>G on transcript NM_000038.6 (MANE Select); coding-DNA position 5001, T replaced by G.
Protein change: p.Asn1667Lys; replaces asparagine 1667 with lysine.
Molecular consequence: missense variant. On other transcripts: non-coding transcript variant (2).
Genome position (GRCh38, 1-based): chr5:112,840,595, T>G. VCF-style: chr5-112840595-T-G. GRCh37 (hg19) VCF-style: chr5-112176292-T-G.
Other names: c.5001T>G, p.Asn1667Lys (NM_001127510.3, NM_001354895.2, NM_001407450.1); c.4947T>G, p.Asn1649Lys (NM_001127511.3); c.5055T>G, p.Asn1685Lys (NM_001354896.2, NM_001407447.1, NM_001407448.1 and 1 more transcripts); c.5031T>G, p.Asn1677Lys (NM_001354897.2); c.4926T>G, p.Asn1642Lys (NM_001354898.2); c.4917T>G, p.Asn1639Lys (NM_001354899.2); c.4878T>G, p.Asn1626Lys (NM_001354900.2); c.4824T>G, p.Asn1608Lys (NM_001354901.2, NM_001407453.1); and 11 more; short protein forms N1384K, N1626K, N1639K, N1657K, N1667K, N1685K, N1283K, N1538K.
Identifiers: ClinVar variation 2567044 (VCV002567044.2), dbSNP rs1131691138, ClinGen allele CA16032275.

ClinVar aggregate classification (germline): Uncertain significance (1 of 4 stars; one submission).

Conditions:
Hereditary cancer-predisposing syndrome. Also called: Hereditary neoplastic syndrome; Hereditary Cancer Syndrome; Neoplastic Syndromes, Hereditary; Tumor predisposition. Identifiers: Orphanet 140162, MedGen C0027672, MeSH D009386, MONDO:0015356.

Submission:

Ambry Genetics
Classification: Uncertain significance for Hereditary cancer-predisposing syndrome. Last evaluated: 2023-05-15. Review status: criteria provided, single submitter. Criteria: Ambry Variant Classification Scheme 2023. Collection method: clinical testing. Allele origin: germline.
Comment: The p.N1667K variant (also known as c.5001T>G), located in coding exon 15 of the APC gene, results from a T to G substitution at nucleotide position 5001. The asparagine at codon 1667 is replaced by lysine, an amino acid with similar properties. This amino acid position is conserved. In addition, in silico predictors for this gene do not accurately predict pathogenicity. Since supporting evidence is limited at this time, the clinical significance of this alteration remains unclear.